The following is an entry in ClinVar:

ClinVar aggregate classification (germline): Pathogenic. Review status: no assertion criteria provided (0 of 4 stars). 2 submissions from 2 submitters: Pathogenic (2). Last evaluated 2012-10-04.

Conditions:
Hyperekplexia 2 (HKPX2). Identifiers: Orphanet 3197, MedGen C3553291, MONDO:0013828, OMIM 614619.

Submissions (2):

GeneReviews
Classification: Pathogenic for Hyperekplexia. Last evaluated: 2012-10-04. Review status: no assertion criteria provided. Collection method: curation. Allele origin: unknown.
ClinVar note: Converted during submission from pathologic to Pathogenic.

OMIM
Classification: Pathogenic for HYPEREKPLEXIA 2. Last evaluated: 2002-04-01. Review status: no assertion criteria provided. Collection method: literature only. Allele origin: germline.

Literature cited by the submitters: PubMed 11929858 (cited by OMIM).

NM_000824.5(GLRB):c.752G>A (p.Gly251Asp)

Gene: GLRB (glycine receptor beta; plus strand). Cytogenetic location: 4q32.1.
Variant type: single nucleotide variant.
Coding change: c.752G>A on transcript NM_000824.5 (MANE Select); coding-DNA position 752, G replaced by A.
Protein change: p.Gly251Asp; replaces glycine 251 with aspartic acid.
Molecular consequence: missense variant.
Genome position (GRCh38, 1-based): chr4:157,143,807, G>A. VCF-style: chr4-157143807-G-A. GRCh37 (hg19) VCF-style: chr4-158064959-G-A.
Other names: G229D; G920A; c.752G>A, p.Gly251Asp (NM_001166060.2, NM_001166061.2); short protein forms G251D.
Identifiers: ClinVar variation 16058 (VCV000016058.3), dbSNP rs121909749, ClinGen allele CA341355.